The following is an entry in ClinVar:

ClinVar aggregate classification (germline): Uncertain significance (1 of 4 stars; one submission).

Conditions:
Hereditary spastic paraplegia 11. Also called: Spastic paraplegia, mental retardation and thin corpus callosum; Nakamura Osame syndrome; Autosomal recessive hereditary spastic paraplegia, mental impairment, and thin corpus callosum; SPASTIC PARAPLEGIA, AUTOSOMAL RECESSIVE, COMPLICATED, WITH THIN CORPUS CALLOSUM; SPASTIC PARAPLEGIA, AUTOSOMAL RECESSIVE, WITH MENTAL IMPAIRMENT AND THIN CORPUS CALLOSUM; Spastic Paraplegia 11. Identifiers: Orphanet 2822, MedGen C1858479, MONDO:0011445, OMIM 604360.

Submission:

Labcorp Genetics (formerly Invitae), Labcorp
Classification: Uncertain significance for Hereditary spastic paraplegia 11. Last evaluated: 2022-08-09. Review status: criteria provided, single submitter. Criteria: Invitae Variant Classification Sherloc (09022015). Collection method: clinical testing. Allele origin: germline.
Comment: This sequence change replaces serine, which is neutral and polar, with arginine, which is basic and polar, at codon 510 of the SPG11 protein (p.Ser510Arg). In summary, the available evidence is currently insufficient to determine the role of this variant in disease. Therefore, it has been classified as a Variant of Uncertain Significance. Algorithms developed to predict the effect of missense changes on protein structure and function are either unavailable or do not agree on the potential impact of this missense change (SIFT: "Deleterious"; PolyPhen-2: "Probably Damaging"; Align-GVGD: "Class C0"). ClinVar contains an entry for this variant (Variation ID: 999640). This variant has not been reported in the literature in individuals affected with SPG11-related conditions. This variant is not present in population databases (gnomAD no frequency).

NM_025137.4(SPG11):c.1528A>C (p.Ser510Arg)

Gene: SPG11 (SPG11 vesicle trafficking associated, spatacsin; minus strand). Cytogenetic location: 15q21.1.
Variant type: single nucleotide variant.
Coding change: c.1528A>C on transcript NM_025137.4 (MANE Select); coding-DNA position 1528, A replaced by C.
Protein change: p.Ser510Arg; replaces serine 510 with arginine.
Molecular consequence: missense variant.
Genome position (GRCh38, 1-based): chr15:44,648,940, T>G on the plus strand (A>C on the coding strand, the complement: SPG11 is on the minus strand). VCF-style: chr15-44648940-T-G. GRCh37 (hg19) VCF-style: chr15-44941138-T-G.
Other names: c.1528A>C, p.Ser510Arg (NM_001160227.2); short protein forms S510R.
Identifiers: ClinVar variation 999640 (VCV000999640.8), dbSNP rs2084683038, ClinGen allele CA392235620.
Genomic context (GRCh38, chr15:44,648,940, plus strand): 5'-TGGGAATTGAGCACCTTCCCCAGCCATTGAGATGACAAAGAGTGTCCACAGTGCTGGCAC[T>G]TCCATGGATCATGAGTCTGTTTAAAAACTCTTCTTGAGTCAAACCAAACAAAATCAGAGA-3'
Protein context (NP_079413.3, residues 500-520): EFLNRLMIHG[Ser510Arg]ASTVDTLCHL